The following is an entry in ClinVar:

NM_014874.4(MFN2):c.696C>G (p.Thr232=)

Gene: MFN2 (mitofusin 2; plus strand). Cytogenetic location: 1p36.22.
Variant type: single nucleotide variant.
Coding change: c.696C>G on transcript NM_014874.4 (MANE Select); coding-DNA position 696, C replaced by G.
Protein change: p.Thr232=; no amino-acid change (threonine 232 retained).
Molecular consequence: synonymous variant.
Genome position (GRCh38, 1-based): chr1:11,998,866, C>G. VCF-style: chr1-11998866-C-G. GRCh37 (hg19) VCF-style: chr1-12058923-C-G.
Other names: c.696C>G, p.Thr232= (NM_001127660.2).
Identifiers: ClinVar variation 518191 (VCV000518191.12), dbSNP rs769923700, ClinGen allele CA598886.

ClinVar aggregate classification (germline): Likely benign. Review status: criteria provided, multiple submitters, no conflicts (2 of 4 stars). 3 submissions from 3 submitters: Likely benign (3). Last evaluated 2024-12-02.

Conditions:
Charcot-Marie-Tooth disease type 2. Also called: Charcot-Marie-Tooth type 2. Identifiers: Orphanet 64746, MedGen C0270914, MONDO:0018993.
Inborn genetic diseases. Identifiers: MedGen C0950123, MeSH D030342.

Allele frequency attached by ClinVar (database versions not stated): TOPMed 0.00001; gnomAD 0.00002; gnomAD exomes 0.00002; ExAC 0.00002.

Submissions (3):

Labcorp Genetics (formerly Invitae), Labcorp
Classification: Likely benign for Charcot-Marie-Tooth disease type 2. Last evaluated: 2024-12-02. Review status: criteria provided, single submitter. Criteria: Invitae Variant Classification Sherloc (09022015). Collection method: clinical testing. Allele origin: germline.

Ambry Genetics
Classification: Likely benign for Inborn genetic diseases. Last evaluated: 2019-07-11. Review status: criteria provided, single submitter. Criteria: Ambry Variant Classification Scheme 2023. Collection method: clinical testing. Allele origin: germline.

GeneDx
Classification: Likely benign. Last evaluated: 2017-06-30. Review status: criteria provided, single submitter. Criteria: GeneDx Variant Classification (06012015). Collection method: clinical testing. Allele origin: germline. Affected: yes.
Comment: This variant is considered likely benign or benign based on one or more of the following criteria: it is a conservative change, it occurs at a poorly conserved position in the protein, it is predicted to be benign by multiple in silico algorithms, and/or has population frequency not consistent with disease.